The following is an entry in ClinVar:

NM_000289.6(PFKM):c.1441A>T (p.Ile481Phe)

Gene: PFKM (phosphofructokinase, muscle; plus strand). Cytogenetic location: 12q13.11.
Variant type: single nucleotide variant.
Coding change: c.1441A>T on transcript NM_000289.6 (MANE Select); coding-DNA position 1441, A replaced by T.
Protein change: p.Ile481Phe; replaces isoleucine 481 with phenylalanine.
Molecular consequence: missense variant. On other transcripts: non-coding transcript variant (6).
Genome position (GRCh38, 1-based): chr12:48,141,768, A>T. VCF-style: chr12-48141768-A-T. GRCh37 (hg19) VCF-style: chr12-48535551-A-T.
Other names: c.1654A>T, p.Ile552Phe (NM_001166686.2, NM_001354737.1, NM_001354738.1 and 1 more transcripts); c.1441A>T, p.Ile481Phe (NM_001166687.2, NM_001166688.2, NM_001354742.2 and 2 more transcripts); c.1750A>T, p.Ile584Phe (NM_001354735.1, NM_001354736.1); c.1585A>T, p.Ile529Phe (NM_001354740.1); c.1465A>T, p.Ile489Phe (NM_001354741.2); c.1354A>T, p.Ile452Phe (NM_001354745.2); c.1315A>T, p.Ile439Phe (NM_001354746.2); c.1291A>T, p.Ile431Phe (NM_001354747.2, NM_001354748.2); and 1 more; short protein forms I439F, I489F, I431F, I481F, I552F, I584F, I452F, I529F.
Identifiers: ClinVar variation 2069452 (VCV002069452.4), dbSNP rs2498572402, ClinGen allele CA384551722.

ClinVar aggregate classification (germline): Uncertain significance (1 of 4 stars; one submission).

Conditions:
Glycogen storage disease, type VII (GSD7). Also called: MUSCLE PHOSPHOFRUCTOKINASE DEFICIENCY; PFKM DEFICIENCY; TARUI DISEASE; GSD VII. Identifiers: Orphanet 371, MedGen C0017926, MONDO:0009295, OMIM 232800.

gnomAD v4.1: 1 of 1,613,690 alleles (0.000062%); no homozygotes.

Submission:

Labcorp Genetics (formerly Invitae), Labcorp
Classification: Uncertain significance for Glycogen storage disease, type VII. Last evaluated: 2022-01-01. Review status: criteria provided, single submitter. Criteria: Invitae Variant Classification Sherloc (09022015). Collection method: clinical testing. Allele origin: germline.
Comment: This sequence change replaces isoleucine, which is neutral and non-polar, with phenylalanine, which is neutral and non-polar, at codon 481 of the PFKM protein (p.Ile481Phe). This variant is not present in population databases (gnomAD no frequency). This variant has not been reported in the literature in individuals affected with PFKM-related conditions. Algorithms developed to predict the effect of missense changes on protein structure and function are either unavailable or do not agree on the potential impact of this missense change (SIFT: "Deleterious"; PolyPhen-2: "Benign"; Align-GVGD: "Class C15"). In summary, the available evidence is currently insufficient to determine the role of this variant in disease. Therefore, it has been classified as a Variant of Uncertain Significance.